The following is an entry in ClinVar:

NM_001009944.3(PKD1):c.10392C>A (p.Ser3464=)

Gene: PKD1 (polycystin 1, transient receptor potential channel interacting; minus strand). Cytogenetic location: 16p13.3.
Variant type: single nucleotide variant.
Coding change: c.10392C>A on transcript NM_001009944.3 (MANE Select); coding-DNA position 10392, C replaced by A.
Protein change: p.Ser3464=; no amino-acid change (serine 3464 retained).
Molecular consequence: synonymous variant.
Genome position (GRCh38, 1-based): chr16:2,097,332, G>T on the plus strand (C>A on the coding strand, the complement: PKD1 is on the minus strand). VCF-style: chr16-2097332-G-T. GRCh37 (hg19) VCF-style: chr16-2147333-G-T.
Other names: c.10389C>A, p.Ser3463= (NM_000296.4).
Identifiers: ClinVar variation 4977369 (VCV004977369.1).

ClinVar aggregate classification (germline): Likely benign (1 of 4 stars; one submission).

Conditions:
PKD1-related disorder. Also called: PKD1-related condition.

gnomAD v4.1: 9 of 1,612,732 alleles (0.00056%); highest among the groups gnomAD compares: African/African-American, 0.012%; no homozygotes.

Submission:

PreventionGenetics, part of Exact Sciences
Classification: Likely benign for PKD1-related condition. Last evaluated: 2025-05-20. Review status: criteria provided, single submitter. Criteria: ACMG Guidelines, 2015. Collection method: clinical testing. Allele origin: germline.
Comment: This variant is classified as likely benign based on ACMG/AMP sequence variant interpretation guidelines (Richards et al. 2015 PMID: 25741868, with internal and published modifications).